The following is an entry in ClinVar:

ClinVar aggregate classification (germline): Conflicting classifications of pathogenicity. Review status: criteria provided, conflicting classifications (1 of 4 stars). 2 submissions from 2 submitters: Uncertain significance (1); Benign (1). Last evaluated 2025-01-11.

Conditions:
CHARGE syndrome (CHARGE). Also called: Hittner Hirsch Kreh syndrome; CHARGE ASSOCIATION--COLOBOMA, HEART ANOMALY, CHOANAL ATRESIA, RETARDATION, GENITAL AND EAR ANOMALIES; Coloboma, heart anomaly, choanal atresia, retardation, genital and ear anomalies; CHARGE association; Hall-Hittner syndrome. Identifiers: Orphanet 138, MedGen C0265354, MONDO:0008965.

Allele frequency attached by ClinVar (database versions not stated): gnomAD exomes 0.00001.
gnomAD v4.1: 7 of 1,613,994 alleles (0.00043%); highest among the groups gnomAD compares: Admixed American, 0.0033%; no homozygotes.

Submissions (2):

Labcorp Genetics (formerly Invitae), Labcorp
Classification: Benign for CHARGE syndrome. Last evaluated: 2025-01-11. Review status: criteria provided, single submitter. Criteria: Invitae Variant Classification Sherloc (09022015). Collection method: clinical testing. Allele origin: germline.

CeGaT Center for Human Genetics Tuebingen
Classification: Uncertain significance. Last evaluated: 2022-12-01. Review status: criteria provided, single submitter. Criteria: CeGaT Center For Human Genetics Tuebingen Variant Classification Criteria Version 2. Collection method: clinical testing. Allele origin: germline. Affected: yes. Observed: 1 variant allele.
Comment: CHD7: PM2

NM_017780.4(CHD7):c.972C>A (p.Asn324Lys)

Gene: CHD7 (chromodomain helicase DNA binding protein 7; plus strand). Cytogenetic location: 8q12.2.
Variant type: single nucleotide variant.
Coding change: c.972C>A on transcript NM_017780.4 (MANE Select); coding-DNA position 972, C replaced by A.
Protein change: p.Asn324Lys; replaces asparagine 324 with lysine.
Molecular consequence: missense variant.
Genome position (GRCh38, 1-based): chr8:60,742,404, C>A. VCF-style: chr8-60742404-C-A. GRCh37 (hg19) VCF-style: chr8-61654963-C-A.
Other names: c.972C>A, p.Asn324Lys (NM_001316690.1); short protein forms N324K.
Identifiers: ClinVar variation 2658616 (VCV002658616.26), dbSNP rs1329360838, ClinGen allele CA371300326.